The following is an entry in ClinVar:

ClinVar aggregate classification (germline): Uncertain significance (1 of 4 stars; one submission).

Conditions:
T-B+ severe combined immunodeficiency due to JAK3 deficiency. Also called: SCID, T CELL-NEGATIVE, B CELL-POSITIVE, NK CELL-NEGATIVE; SCID, autosomal recessive, T-negative/B-positive type. Identifiers: Orphanet 35078, MedGen C1833275, MONDO:0010938, OMIM 600802.

Submission:

Labcorp Genetics (formerly Invitae), Labcorp
Classification: Uncertain significance for T-B+ severe combined immunodeficiency due to JAK3 deficiency. Last evaluated: 2019-11-29. Review status: criteria provided, single submitter. Criteria: Invitae Variant Classification Sherloc (09022015). Collection method: clinical testing. Allele origin: germline.
Comment: In summary, the available evidence is currently insufficient to determine the role of this variant in disease. Therefore, it has been classified as a Variant of Uncertain Significance. This sequence change replaces serine with tyrosine at codon 42 of the JAK3 protein (p.Ser42Tyr). The serine residue is weakly conserved and there is a large physicochemical difference between serine and tyrosine. This variant is not present in population databases (ExAC no frequency). This variant has not been reported in the literature in individuals with JAK3-related conditions. Algorithms developed to predict the effect of missense changes on protein structure and function are either unavailable or do not agree on the potential impact of this missense change (SIFT: "Tolerated"; PolyPhen-2: "Possibly Damaging"; Align-GVGD: "Class C0").

NM_000215.4(JAK3):c.125C>A (p.Ser42Tyr)

Gene: JAK3 (Janus kinase 3; minus strand). Cytogenetic location: 19p13.11.
Variant type: single nucleotide variant.
Coding change: c.125C>A on transcript NM_000215.4 (MANE Select); coding-DNA position 125, C replaced by A.
Protein change: p.Ser42Tyr; replaces serine 42 with tyrosine.
Molecular consequence: missense variant.
Genome position (GRCh38, 1-based): chr19:17,844,293, G>T on the plus strand (C>A on the coding strand, the complement: JAK3 is on the minus strand). VCF-style: chr19-17844293-G-T. GRCh37 (hg19) VCF-style: chr19-17955102-G-T.
Other names: short protein forms S42Y.
Identifiers: ClinVar variation 839962 (VCV000839962.9), dbSNP rs2094246939, ClinGen allele CA404775180.